The following is an entry in ClinVar:

NM_001130009.3(GEN1):c.2174G>T (p.Gly725Val)

Gene: GEN1 (GEN1 Holliday junction 5' flap endonuclease; plus strand). Cytogenetic location: 2p24.2.
Variant type: single nucleotide variant.
Coding change: c.2174G>T on transcript NM_001130009.3 (MANE Select); coding-DNA position 2174, G replaced by T.
Protein change: p.Gly725Val; replaces glycine 725 with valine.
Molecular consequence: missense variant.
Genome position (GRCh38, 1-based): chr2:17,781,386, G>T. VCF-style: chr2-17781386-G-T. GRCh37 (hg19) VCF-style: chr2-17962653-G-T.
Other names: c.2174G>T, p.Gly725Val (NM_182625.5); short protein forms G725V.
Identifiers: ClinVar variation 3853446 (VCV003853446.1).

ClinVar aggregate classification (germline): Uncertain significance (1 of 4 stars; one submission).

Submission:

Ambry Genetics
Classification: Uncertain significance. Last evaluated: 2024-12-20. Review status: criteria provided, single submitter. Criteria: Ambry Variant Classification Scheme 2023. Collection method: clinical testing. Allele origin: germline.
Comment: The p.G725V variant (also known as c.2174G>T), located in coding exon 13 of the GEN1 gene, results from a G to T substitution at nucleotide position 2174. The glycine at codon 725 is replaced by valine, an amino acid with dissimilar properties. This amino acid position is conserved. In addition, this alteration is predicted to be tolerated by in silico analysis. Based on the available evidence, the clinical significance of this variant remains unclear.